The following is an entry in ClinVar:

ClinVar aggregate classification (germline): Conflicting classifications of pathogenicity. Review status: criteria provided, conflicting classifications (1 of 4 stars). 6 submissions from 6 submitters: Pathogenic (2); Likely pathogenic (3); Uncertain significance (1). Last evaluated 2025-12-24.

Conditions:
Fumarase deficiency (FMRD). Also called: Fumarate Hydratase Deficiency; Fumaric aciduria. Identifiers: Orphanet 24, MedGen C0342770, MONDO:0011730, OMIM 606812.
Hereditary cancer-predisposing syndrome. Also called: Neoplastic Syndromes, Hereditary; Hereditary neoplastic syndrome; Tumor predisposition; Hereditary Cancer Syndrome. Identifiers: Orphanet 140162, MedGen C0027672, MeSH D009386, MONDO:0015356.

Allele frequency attached by ClinVar (database versions not stated): gnomAD exomes below 0.00001 and 0.00002; gnomAD 0.00001; TOPMed 0.00001.
gnomAD v4.1: 33 of 1,614,004 alleles (0.002%); highest among the groups gnomAD compares: Non-Finnish European, 0.0028%; no homozygotes.

Submissions (6):

Labcorp Genetics (formerly Invitae), Labcorp
Classification: Pathogenic. Last evaluated: 2025-12-24. Review status: criteria provided, single submitter. Criteria: Invitae Variant Classification Sherloc (09022015). Collection method: clinical testing. Allele origin: germline.
Comment: This sequence change replaces alanine, which is neutral and non-polar, with glycine, which is neutral and non-polar, at codon 308 of the FH protein (p.Ala308Gly). This variant is not present in population databases (gnomAD no frequency). This missense change has been observed in individual(s) with fumarate hydratase deficiency (internal data). In at least one individual the data is consistent with being in trans (on the opposite chromosome) from a pathogenic variant. ClinVar contains an entry for this variant (Variation ID: 392178). Invitae Evidence Modeling of protein sequence and biophysical properties (such as structural, functional, and spatial information, amino acid conservation, physicochemical variation, residue mobility, and thermodynamic stability) indicates that this missense variant is expected to disrupt FH protein function with a positive predictive value of 95%. RNA analysis performed to evaluate the impact of this missense change on mRNA splicing indicates it does not significantly alter splicing (internal data). This variant disrupts the p.Ala308 amino acid residue in FH. Other variant(s) that disrupt this residue have been determined to be pathogenic (PMID: 9635293, 29456767). This suggests that this residue is clinically significant, and that variants that disrupt this residue are likely to be disease-causing. For these reasons, this variant has been classified as Pathogenic.

Ambry Genetics
Classification: Pathogenic for Hereditary cancer-predisposing syndrome. Last evaluated: 2025-09-15. Review status: criteria provided, single submitter. Criteria: Ambry Variant Classification Scheme 2023. Collection method: clinical testing. Allele origin: germline.
Comment: The p.A308G pathogenic mutation (also known as c.923C>G), located in coding exon 7 of the FH gene, results from a C to G substitution at nucleotide position 923. The alanine at codon 308 is replaced by glycine, an amino acid with similar properties. This variant was reported in individuals with features consistent with pheochromocytoma and paraganglioma (Ambry internal data). In addition, this variant has been identified in trans with another FH pathogenic alteration in an individual with autosomal recessive fumarate hydratase deficiency syndrome (external communication). Another alteration at this same amino acid position, p.A308T (also designated as p.A265T in published literature), has also been reported in a homozygous state in a patient with fumarate hydratase deficiency (Coughlin EM et al. Mol. Genet. Metab., 1998 Apr;63:254-62) and follow-up studies showed that it is catalytically inactive and unable to form multimers in functional assays using recombinant proteins (Bulku A et al. Open Biochem J, 2018 Jan;12:1-15). This amino acid position is highly conserved in available vertebrate species. In addition, p.A308G is predicted to be deleterious by in silico analysis. Based on the supporting evidence, this alteration is interpreted as a pathogenic mutation in association with pheochromocytoma and paraganglioma (PPGL); however, its association with other FH-related tumors, such as leiomyomas and renal cell cancer, is uncertain.

GeneDx
Classification: Likely pathogenic. Last evaluated: 2025-05-27. Review status: criteria provided, single submitter. Criteria: GeneDx Variant Classification Process June 2021. Collection method: clinical testing. Allele origin: germline. Affected: yes.
Comment: Not observed at significant frequency in large population cohorts (gnomAD); Observed in individuals with no reported personal history of early onset renal cell cancer undergoing multi-gene hereditary cancer panel testing in published literature (PMID: 34994643); In silico analysis supports that this missense variant has a deleterious effect on protein structure/function; While this variant is considered likely pathogenic for autosomal recessive fumarate hydratase deficiency, heterozygous carriers have not been reported to have hereditary leiomyomatosis and renal cell cancer (HLRCC), therefore its association with HLRCC is uncertain (PMID: 34994643); Also known as A265G; This variant is associated with the following publications: (PMID: 9635293, 34994643, 33528536)

CeGaT Center for Human Genetics Tuebingen
Classification: Likely pathogenic. Last evaluated: 2024-03-01. Review status: criteria provided, single submitter. Criteria: CeGaT Center For Human Genetics Tuebingen Variant Classification Criteria Version 2. Collection method: clinical testing. Allele origin: germline. Affected: yes. Observed: 1 variant allele.
Comment: FH: PM2, PM3, PM5, PP3

Baylor Genetics
Classification: Uncertain significance for Fumarase deficiency. Last evaluated: 2024-02-06. Review status: criteria provided, single submitter. Criteria: ACMG Guidelines, 2015. Collection method: clinical testing. Allele origin: unknown.

Victorian Clinical Genetics Services, Murdoch Childrens Research Institute
Classification: Likely pathogenic for Fumarase deficiency. Last evaluated: 2022-02-02. Review status: criteria provided, single submitter. Criteria: ACMG Guidelines, 2015. Collection method: clinical testing. Allele origin: germline. Inheritance: Autosomal recessive inheritance. Affected: yes.
Comment: Based on the classification scheme VCGS_Germline_v1.3.4, this variant is classified as Likely pathogenic. Following criteria are met: 0102 - Loss of function is a known mechanism of disease in this gene and is associated with fumarase deficiency (MIM#606812) and leiomyomatosis and renal cell cancer (MIM#150800). (I) 0108 - This gene is associated with both recessive and dominant disease (OMIM). (I) 0200 - Variant is predicted to result in a missense amino acid change from alanine to glycine. (I) 0251 - This variant is heterozygous. (I) 0304 - Variant is present in gnomAD (v3) <0.01 for a recessive condition (2 heterozygotes, 0 homozygotes). (SP) 0501 - Missense variant consistently predicted to be damaging by multiple in silico tools or highly conserved with a major amino acid change. (SP) 0600 - Variant is located in the annotated Lyase domain (Decipher). (I) 0704 - Another missense variant comparable to the one identified in this case has limited previous evidence for pathogenicity. The alternative change to a threonine has been reported in one homozygous individual with fumarase deficiency (PMID: 9635293). (SP) 0802 - This variant has moderate previous evidence of pathogenicity in unrelated individuals. This variant has been reported multiple times in individuals with fumarase deficiency (ClinVar). (SP) 0905 - No published segregation evidence has been identified for this variant. (I) 1007 - No published functional evidence has been identified for this variant. (I) 1208 - Inheritance information for this variant is not currently available in this individual. (I) Legend: (SP) - Supporting pathogenic, (I) - Information, (SB) - Supporting benign

Literature cited by the submitters: PubMed 9635293 (cited by 3 submitters); PubMed 29456767 (cited by Labcorp Genetics (formerly Invitae), Labcorp and Ambry Genetics); PubMed 21445611 (cited by Ambry Genetics).

NM_000143.4(FH):c.923C>G (p.Ala308Gly)

Gene: FH (fumarate hydratase; minus strand). Cytogenetic location: 1q43.
Variant type: single nucleotide variant.
Coding change: c.923C>G on transcript NM_000143.4 (MANE Select); coding-DNA position 923, C replaced by G.
Protein change: p.Ala308Gly; replaces alanine 308 with glycine.
Molecular consequence: missense variant.
Genome position (GRCh38, 1-based): chr1:241,504,227, G>C on the plus strand (C>G on the coding strand, the complement: FH is on the minus strand). VCF-style: chr1-241504227-G-C. GRCh37 (hg19) VCF-style: chr1-241667527-G-C.
Other names: short protein forms A308G.
Identifiers: ClinVar variation 392178 (VCV000392178.41), dbSNP rs1057524385, ClinGen allele CA16603595.